The following is an entry in ClinVar:

NM_005428.4(VAV1):c.724-9T>A

Gene: VAV1 (vav guanine nucleotide exchange factor 1; plus strand). Cytogenetic location: 19p13.3.
Variant type: single nucleotide variant.
Coding change: c.724-9T>A on transcript NM_005428.4 (MANE Select); 9 bases into the intron before coding-DNA position 724, T replaced by A.
Molecular consequence: intron variant.
Genome position (GRCh38, 1-based): chr19:6,825,294, T>A. VCF-style: chr19-6825294-T-A. GRCh37 (hg19) VCF-style: chr19-6825305-T-A.
Other names: c.724-9T>A (NM_001258206.2); c.628-9T>A (NM_001258207.2).
Identifiers: ClinVar variation 2035061 (VCV002035061.4), dbSNP rs1316040271, ClinGen allele CA884185408.

ClinVar aggregate classification (germline): Uncertain significance (1 of 4 stars; one submission).

Allele frequency attached by ClinVar (database versions not stated): gnomAD exomes below 0.00001; TOPMed below 0.00001; gnomAD 0.00001.
gnomAD v4.1: 3 of 1,609,172 alleles (0.00019%); highest among the groups gnomAD compares: Non-Finnish European, 0.00025%; no homozygotes.

Submission:

Labcorp Genetics (formerly Invitae), Labcorp
Classification: Uncertain significance. Last evaluated: 2023-09-11. Review status: criteria provided, single submitter. Criteria: Invitae Variant Classification Sherloc (09022015). Collection method: clinical testing. Allele origin: germline.
Comment: This variant is not present in population databases (gnomAD no frequency). This sequence change falls in intron 7 of the VAV1 gene. It does not directly change the encoded amino acid sequence of the VAV1 protein. This variant has not been reported in the literature in individuals affected with VAV1-related conditions. ClinVar contains an entry for this variant (Variation ID: 2035061). Algorithms developed to predict the effect of sequence changes on RNA splicing suggest that this variant may disrupt the consensus splice site. In summary, the available evidence is currently insufficient to determine the role of this variant in disease. Therefore, it has been classified as a Variant of Uncertain Significance.